The following is an entry in ClinVar:

ClinVar aggregate classification (germline): Conflicting classifications of pathogenicity. Review status: criteria provided, conflicting classifications (1 of 4 stars). 2 submissions from 2 submitters: Uncertain significance (1); Likely benign (1). Last evaluated 2026-08-01.

Allele frequency attached by ClinVar (database versions not stated): ExAC 0.00044; gnomAD 0.00044; ESP Exome Variant Server 0.00054.
gnomAD v4.1: 552 of 1,614,040 alleles (0.034%); highest among the groups gnomAD compares: Non-Finnish European, 0.044%; 1 homozygote.

Submissions (2):

CeGaT Center for Human Genetics Tuebingen
Classification: Likely benign. Last evaluated: 2026-08-01. Review status: criteria provided, single submitter. Criteria: CeGaT Center For Human Genetics Tuebingen Variant Classification Criteria Version 2. Collection method: clinical testing. Allele origin: germline. Affected: yes. Observed: 2 variant alleles.
Comment: NLRP2: BP4

Ambry Genetics
Classification: Uncertain significance. Last evaluated: 2025-04-08. Review status: criteria provided, single submitter. Criteria: Ambry Variant Classification Scheme 2023. Collection method: clinical testing. Allele origin: germline.

NM_017852.5(NLRP2):c.1765G>T (p.Asp589Tyr)

Gene: NLRP2 (NLR family pyrin domain containing 2; plus strand). Cytogenetic location: 19q13.42.
Variant type: single nucleotide variant.
Coding change: c.1765G>T on transcript NM_017852.5 (MANE Select); coding-DNA position 1765, G replaced by T.
Protein change: p.Asp589Tyr; replaces aspartic acid 589 with tyrosine.
Molecular consequence: missense variant. On other transcripts: non-coding transcript variant (1).
Genome position (GRCh38, 1-based): chr19:54,983,463, G>T. VCF-style: chr19-54983463-G-T. GRCh37 (hg19) VCF-style: chr19-55494831-G-T.
Other names: c.1765G>T, p.Asp589Tyr (NM_001174081.3); c.1699G>T, p.Asp567Tyr (NM_001174082.3); c.1696G>T, p.Asp566Tyr (NM_001174083.2); c.1756G>T, p.Asp586Tyr (NM_001348003.2); short protein forms D567Y, D589Y, D566Y, D586Y.
Identifiers: ClinVar variation 2310225 (VCV002310225.26), dbSNP rs150431153, ClinGen allele CA310105494.
Genomic context (GRCh38, chr19:54,983,463, plus strand): 5'-TTGGAGGCCACTTTTGGCTGCCGGATGTCACCGGACATCAAACAGGAATTGCTGCGATGC[G>T]ACATAAGTTGTAAGGGTGGACATTCAACGGTGACAGACCTGCAGGAGCTCCTCGGCTGTC-3'
Protein context (NP_060322.1, residues 579-599): PDIKQELLRC[Asp589Tyr]ISCKGGHSTV